The following is an entry in ClinVar:

ClinVar aggregate classification (germline): Uncertain significance. Review status: criteria provided, multiple submitters, no conflicts (2 of 4 stars). 2 submissions from 2 submitters: Uncertain significance (2). Last evaluated 2025-03-07.

Conditions:
Aicardi-Goutieres syndrome 6 (AGS6). Identifiers: Orphanet 51, MedGen C3539013, MONDO:0014007, OMIM 615010.
Symmetrical dyschromatosis of extremities (DSH). Also called: SYMMETRIC DYSCHROMATOSIS OF THE EXTREMITIES; Dyschromatosis symmetrica hereditaria; RETICULATE ACROPIGMENTATION OF DOHI; DYSCHROMATOSIS SYMMETRICA HEREDITARIA 1. Identifiers: Orphanet 41, MedGen C0406775, MONDO:0007483, OMIM 127400.

Submissions (2):

Labcorp Genetics (formerly Invitae), Labcorp
Classification: Uncertain significance for Aicardi-Goutieres syndrome 6; Symmetrical dyschromatosis of extremities. Last evaluated: 2025-03-07. Review status: criteria provided, single submitter. Criteria: Invitae Variant Classification Sherloc (09022015). Collection method: clinical testing. Allele origin: germline.
Comment: This sequence change replaces valine, which is neutral and non-polar, with phenylalanine, which is neutral and non-polar, at codon 1101 of the ADAR protein (p.Val1101Phe). This variant is not present in population databases (gnomAD no frequency). This variant has not been reported in the literature in individuals affected with ADAR-related conditions. ClinVar contains an entry for this variant (Variation ID: 1507551). Invitae Evidence Modeling of protein sequence and biophysical properties (such as structural, functional, and spatial information, amino acid conservation, physicochemical variation, residue mobility, and thermodynamic stability) indicates that this missense variant is not expected to disrupt ADAR protein function with a negative predictive value of 80%. In summary, the available evidence is currently insufficient to determine the role of this variant in disease. Therefore, it has been classified as a Variant of Uncertain Significance.

GeneDx
Classification: Uncertain significance. Last evaluated: 2023-05-01. Review status: criteria provided, single submitter. Criteria: GeneDx Variant Classification Process June 2021. Collection method: clinical testing. Allele origin: germline. Affected: yes.
Comment: Not observed at significant frequency in large population cohorts (gnomAD); In silico analysis supports that this missense variant does not alter protein structure/function; Has not been previously published as pathogenic or benign to our knowledge

NM_001111.5(ADAR):c.3301G>T (p.Val1101Phe)

Gene: ADAR (adenosine deaminase RNA specific; minus strand). Cytogenetic location: 1q21.3.
Variant type: single nucleotide variant.
Coding change: c.3301G>T on transcript NM_001111.5 (MANE Select); coding-DNA position 3301, G replaced by T.
Protein change: p.Val1101Phe; replaces valine 1101 with phenylalanine.
Molecular consequence: missense variant.
Genome position (GRCh38, 1-based): chr1:154,585,767, C>A on the plus strand (G>T on the coding strand, the complement: ADAR is on the minus strand). VCF-style: chr1-154585767-C-A. GRCh37 (hg19) VCF-style: chr1-154558243-C-A.
Other names: c.2416G>T, p.Val806Phe (NM_001025107.3, NM_001193495.2, NM_001365046.1 and 2 more transcripts); c.3328G>T, p.Val1110Phe (NM_001365045.1); c.2338G>T, p.Val780Phe (NM_001365049.1); c.3223G>T, p.Val1075Phe (NM_015840.4); c.3166G>T, p.Val1056Phe (NM_015841.4); c.3301G>T (NM_001111.4); short protein forms V1075F, V806F, V1110F, V780F, V1056F, V1101F.
Identifiers: ClinVar variation 1507551 (VCV001507551.8), dbSNP rs2101563031, ClinGen allele CA342635283.